The following is an entry in ClinVar:

NM_000222.3(KIT):c.2772dup (p.Glu925Ter)

Gene: KIT (KIT proto-oncogene, receptor tyrosine kinase; plus strand). Cytogenetic location: 4q12.
Variant type: Duplication.
Coding change: c.2772dup on transcript NM_000222.3 (MANE Select); coding-DNA position 2772, one base duplicated (T; older notation c.2772dupT).
Protein change: p.Glu925Ter; replaces glutamic acid 925 with a stop codon.
Molecular consequence: nonsense.
Genome position (GRCh38, 1-based): chr4:54,737,250, T duplicated; the last of 2 consecutive T bases (chr4:54,737,249-54,737,250); duplicating either gives the same sequence. VCF-style (leftmost placement, unchanged base first): chr4-54737248-A-AT. GRCh37 (hg19) VCF-style: chr4-55603414-A-AT.
Other names: c.2760dup, p.Glu921Ter (NM_001093772.2, NM_001385292.1); c.2775dup, p.Glu926Ter (NM_001385284.1); c.2769dup, p.Glu924Ter (NM_001385285.1); c.2757dup, p.Glu920Ter (NM_001385286.1); c.2763dup, p.Glu922Ter (NM_001385288.1); c.2772dup, p.Glu925Ter (NM_001385290.1); short protein forms E922*, E924*, E920*, E921*, E925*, E926*.
Identifiers: ClinVar variation 1369873 (VCV001369873.6), dbSNP rs2109814065, ClinGen allele CA2573138306.
Genomic context (GRCh38, chr4:54,737,248, plus strand): 5'-AAGACTTGCTGGGATGCAGATCCCCTAAAAAGACCAACATTCAAGCAAATTGTTCAGCTA[A>AT]TTGAGAAGCAGATTTCAGAGAGCACCAATCATGTGAGTATACCCTGGCCAGGCATAGAAT-3'

ClinVar aggregate classification (germline): Uncertain significance (1 of 4 stars; one submission).

Conditions:
Gastrointestinal stromal tumor. Also called: Gastrointestinal stroma tumor; Gastrointestinal stromal tumor, somatic. Identifiers: Orphanet 44890, MedGen C0238198, MeSH D046152, MONDO:0011719, OMIM 606764, HP:0100723.

Submission:

Labcorp Genetics (formerly Invitae), Labcorp
Classification: Uncertain significance for Gastrointestinal stromal tumor. Last evaluated: 2021-07-26. Review status: criteria provided, single submitter. Criteria: Invitae Variant Classification Sherloc (09022015). Collection method: clinical testing. Allele origin: germline.
Comment: In summary, the available evidence is currently insufficient to determine the role of this variant in disease. Therefore, it has been classified as a Variant of Uncertain Significance. Experimental studies and prediction algorithms are not available or were not evaluated, and the functional significance of this variant is currently unknown. This variant has not been reported in the literature in individuals affected with KIT-related conditions. This variant is not present in population databases (ExAC no frequency). This sequence change creates a premature translational stop signal (p.Glu925*) in the KIT gene. While this is not anticipated to result in nonsense mediated decay, it is expected to disrupt the last 52 amino acid(s) of the KIT protein.